The following is an entry in ClinVar:

ClinVar aggregate classification (germline): Pathogenic (1 of 4 stars; one submission).

Conditions:
Cardiovascular phenotype. Identifiers: MedGen CN230736.

Submission:

Ambry Genetics
Classification: Pathogenic for Cardiovascular phenotype. Last evaluated: 2021-08-24. Review status: criteria provided, single submitter. Criteria: Ambry Variant Classification Scheme 2023. Collection method: clinical testing. Allele origin: germline.
Comment: The c.766delA pathogenic mutation, located in coding exon 5 of the ACVRL1 gene, results from a deletion of one nucleotide at nucleotide position 766, causing a translational frameshift with a predicted alternate stop codon (p.I256Sfs*2). This variant is considered to be rare based on population cohorts in the Genome Aggregation Database (gnomAD). In addition, this alteration is expected to result in loss of function by premature protein truncation or nonsense-mediated mRNA decay. As such, this alteration is interpreted as a disease-causing mutation.

NM_000020.3(ACVRL1):c.766del (p.Ile256fs)

Gene: ACVRL1 (activin A receptor like type 1; plus strand). Cytogenetic location: 12q13.13.
Variant type: Deletion.
Coding change: c.766del on transcript NM_000020.3 (MANE Select); coding-DNA position 766, one base deleted (A; older notation c.766delA).
Protein change: p.Ile256fs; shifts the reading frame from isoleucine 256.
Molecular consequence: frameshift variant.
Genome position (GRCh38, 1-based): chr12:51,914,579, A deleted. VCF-style (leftmost placement, unchanged base first): chr12-51914578-CA-C. GRCh37 (hg19) VCF-style: chr12-52308362-CA-C.
Other names: c.766del, p.Ile256fs (NM_001077401.2); c.766delA, p.Ile256Serfs (NM_001406487.1, NM_001406488.1, NM_001406489.1); c.454delA, p.Ile152Serfs (NM_001406490.1, NM_001406491.1, NM_001406492.1 and 2 more transcripts); c.202delA, p.Ile68Serfs (NM_001406495.1); short protein forms I256fs.
Identifiers: ClinVar variation 1760061 (VCV001760061.2), dbSNP rs2540162912, ClinGen allele CA2580086473.
Genomic context (GRCh38, chr12:51,914,578, plus strand): 5'-TGAACAGTCCTGGTTCCGGGAGACTGAGATCTATAACACAGTGTTGCTCAGACACGACAA[CA>C]TCCTAGGCAAGGGGAGAGGCCAGCTGTGCCAGGCCTGGGGCTTTGCCCCCCTGCACTCAG-3'